The following is an entry in ClinVar:

NM_000426.4(LAMA2):c.599C>T (p.Thr200Ile)

Gene: LAMA2 (laminin subunit alpha 2; plus strand). Cytogenetic location: 6q22.33.
Variant type: single nucleotide variant.
Coding change: c.599C>T on transcript NM_000426.4 (MANE Select); coding-DNA position 599, C replaced by T.
Protein change: p.Thr200Ile; replaces threonine 200 with isoleucine.
Molecular consequence: missense variant.
Genome position (GRCh38, 1-based): chr6:129,098,375, C>T. VCF-style: chr6-129098375-C-T. GRCh37 (hg19) VCF-style: chr6-129419520-C-T.
Other names: c.599C>T, p.Thr200Ile (NM_001079823.2); short protein forms T200I.
Identifiers: ClinVar variation 2092431 (VCV002092431.4), dbSNP rs1775313538, ClinGen allele CA365829469.
Genomic context (GRCh38, chr6:129,098,375, plus strand): 5'-ACAATATTTATCCCCGCACTGGGCCACCGTCATATGCCAAAGATGATGAGGTCATCTGCA[C>T]TTCATTTTACTCCAAGATACACCCCTTAGAAAATGGAGAGGTAAGATGAGAAAACTCACC-3'
Protein context (NP_000417.3, residues 190-210): SYAKDDEVIC[Thr200Ile]SFYSKIHPLE

ClinVar aggregate classification (germline): Uncertain significance (1 of 4 stars; one submission).

Conditions:
LAMA2-related muscular dystrophy (LAMA2-RD). Also called: Laminin alpha 2-related dystrophy. Identifiers: MedGen C5679788, MONDO:0100228.

Allele frequency attached by ClinVar (database versions not stated): TOPMed below 0.00001.

Submission:

Labcorp Genetics (formerly Invitae), Labcorp
Classification: Uncertain significance for LAMA2-related muscular dystrophy. Last evaluated: 2024-10-28. Review status: criteria provided, single submitter. Criteria: Invitae Variant Classification Sherloc (09022015). Collection method: clinical testing. Allele origin: germline.
Comment: This sequence change replaces threonine, which is neutral and polar, with isoleucine, which is neutral and non-polar, at codon 200 of the LAMA2 protein (p.Thr200Ile). This variant is not present in population databases (gnomAD no frequency). This variant has not been reported in the literature in individuals affected with LAMA2-related conditions. ClinVar contains an entry for this variant (Variation ID: 2092431). Invitae Evidence Modeling of protein sequence and biophysical properties (such as structural, functional, and spatial information, amino acid conservation, physicochemical variation, residue mobility, and thermodynamic stability) indicates that this missense variant is not expected to disrupt LAMA2 protein function with a negative predictive value of 95%. In summary, the available evidence is currently insufficient to determine the role of this variant in disease. Therefore, it has been classified as a Variant of Uncertain Significance.